The following is an entry in ClinVar:

NM_006514.4(SCN10A):c.-8A>T

Gene: SCN10A (sodium voltage-gated channel alpha subunit 10; minus strand). Cytogenetic location: 3p22.2.
Variant type: single nucleotide variant.
Coding change: c.-8A>T on transcript NM_006514.4 (MANE Select); 8 bases upstream of the start codon, A replaced by T.
Molecular consequence: 5 prime UTR variant.
Genome position (GRCh38, 1-based): chr3:38,794,018, T>A on the plus strand (A>T on the coding strand, the complement: SCN10A is on the minus strand). VCF-style: chr3-38794018-T-A. GRCh37 (hg19) VCF-style: chr3-38835509-T-A.
Identifiers: ClinVar variation 392262 (VCV000392262.28), dbSNP rs200901459, ClinGen allele CA2321325.

ClinVar aggregate classification (germline): Conflicting classifications of pathogenicity. Review status: criteria provided, conflicting classifications (1 of 4 stars). 4 submissions from 4 submitters: Uncertain significance (1); Likely benign (3). Last evaluated 2025-11-24.

Allele frequency attached by ClinVar (database versions not stated): 1000 Genomes Project 0.00060; 1000 Genomes Project 30x 0.00062; gnomAD exomes 0.00081 and 0.00093; ExAC 0.00088; TOPMed 0.00098; ESP Exome Variant Server 0.00100; gnomAD 0.00122 and 0.00123.
gnomAD v4.1: 1,527 of 1,613,064 alleles (0.095%); highest among the groups gnomAD compares: Non-Finnish European, 0.12%; 1 homozygote.

Submissions (4):

Women's Health and Genetics/Laboratory Corporation of America, LabCorp
Classification: Uncertain significance. Last evaluated: 2025-11-24. Review status: criteria provided, single submitter. Criteria: LabCorp Variant Classification Summary - May 2015. Collection method: clinical testing. Allele origin: germline.

CeGaT Center for Human Genetics Tuebingen
Classification: Likely benign. Last evaluated: 2025-05-01. Review status: criteria provided, single submitter. Criteria: CeGaT Center For Human Genetics Tuebingen Variant Classification Criteria Version 2. Collection method: clinical testing. Allele origin: germline. Affected: yes. Observed: 7 variant alleles.
Comment: SCN10A: BS1

Blueprint Genetics
Classification: Likely benign. Last evaluated: 2024-11-19. Review status: criteria provided, single submitter. Criteria: ACMG Guidelines, 2015. Collection method: clinical testing. Allele origin: germline.

GeneDx
Classification: Likely benign. Last evaluated: 2018-01-23. Review status: criteria provided, single submitter. Criteria: GeneDx Variant Classification (06012015). Collection method: clinical testing. Allele origin: germline. Affected: yes.
Comment: This variant is considered likely benign or benign based on one or more of the following criteria: it is a conservative change, it occurs at a poorly conserved position in the protein, it is predicted to be benign by multiple in silico algorithms, and/or has population frequency not consistent with disease.